The following is an entry in ClinVar:

NM_002335.4(LRP5):c.1192C>G (p.Arg398Gly)

Gene: LRP5 (LDL receptor related protein 5; plus strand). Cytogenetic location: 11q13.2.
Variant type: single nucleotide variant.
Coding change: c.1192C>G on transcript NM_002335.4 (MANE Select); coding-DNA position 1192, C replaced by G.
Protein change: p.Arg398Gly; replaces arginine 398 with glycine.
Molecular consequence: missense variant. On other transcripts: 5 prime UTR variant (1).
Genome position (GRCh38, 1-based): chr11:68,386,492, C>G. VCF-style: chr11-68386492-C-G. GRCh37 (hg19) VCF-style: chr11-68153960-C-G.
Other names: c.-574C>G (NM_001291902.2); short protein forms R398G.
Identifiers: ClinVar variation 2028806 (VCV002028806.4), dbSNP rs776512547, ClinGen allele CA381612432.

ClinVar aggregate classification (germline): Likely pathogenic (1 of 4 stars; one submission).

Submission:

Labcorp Genetics (formerly Invitae), Labcorp
Classification: Likely pathogenic. Last evaluated: 2022-09-23. Review status: criteria provided, single submitter. Criteria: Invitae Variant Classification Sherloc (09022015). Collection method: clinical testing. Allele origin: germline.
Comment: This sequence change replaces arginine, which is basic and polar, with glycine, which is neutral and non-polar, at codon 398 of the LRP5 protein (p.Arg398Gly). This variant is not present in population databases (gnomAD no frequency). This variant has not been reported in the literature in individuals affected with LRP5-related conditions. Algorithms developed to predict the effect of missense changes on protein structure and function (SIFT, PolyPhen-2, Align-GVGD) all suggest that this variant is likely to be disruptive. This variant disrupts the p.Arg398 amino acid residue in LRP5. Other variant(s) that disrupt this residue have been determined to be pathogenic (PMID: 30452590, 31237656). This suggests that this residue is clinically significant, and that variants that disrupt this residue are likely to be disease-causing. In summary, the currently available evidence indicates that the variant is pathogenic, but additional data are needed to prove that conclusively. Therefore, this variant has been classified as Likely Pathogenic.

Literature cited by the submitters: PubMed 30452590; PubMed 31237656.